The following is an entry in ClinVar:

ClinVar aggregate classification (germline): Uncertain significance (1 of 4 stars; one submission).

Conditions:
Early-infantile DEE. Also called: Early infantile epileptic encephalopathy with suppression bursts; Ohtahara syndrome; Early infantile epileptic encephalopathy. Identifiers: Orphanet 1934, MedGen C0393706, MONDO:0800491.

Submission:

Labcorp Genetics (formerly Invitae), Labcorp
Classification: Uncertain significance for Early-infantile DEE. Last evaluated: 2020-02-06. Review status: criteria provided, single submitter. Criteria: Invitae Variant Classification Sherloc (09022015). Collection method: clinical testing. Allele origin: germline.
Comment: In summary, the available evidence is currently insufficient to determine the role of this variant in disease. Therefore, it has been classified as a Variant of Uncertain Significance. This sequence change replaces leucine with phenylalanine at codon 252 of the KCNQ2 protein (p.Leu252Phe). The leucine residue is moderately conserved and there is a small physicochemical difference between leucine and phenylalanine. This variant is not present in population databases (ExAC no frequency). This variant has not been reported in the literature in individuals with KCNQ2-related conditions. Algorithms developed to predict the effect of missense changes on protein structure and function are either unavailable or do not agree on the potential impact of this missense change (SIFT: "Deleterious"; PolyPhen-2: "Possibly Damaging"; Align-GVGD: "Class C0").

NM_172107.4(KCNQ2):c.756G>T (p.Leu252Phe)

Gene: KCNQ2 (potassium voltage-gated channel subfamily Q member 2; minus strand). Cytogenetic location: 20q13.33.
Variant type: single nucleotide variant.
Coding change: c.756G>T on transcript NM_172107.4 (MANE Select); coding-DNA position 756, G replaced by T.
Protein change: p.Leu252Phe; replaces leucine 252 with phenylalanine.
Molecular consequence: missense variant.
Genome position (GRCh38, 1-based): chr20:63,442,466, C>A on the plus strand (G>T on the coding strand, the complement: KCNQ2 is on the minus strand). VCF-style: chr20-63442466-C-A. GRCh37 (hg19) VCF-style: chr20-62073819-C-A.
Other names: c.756G>T, p.Leu252Phe (NM_001382235.1, NM_004518.6, NM_172106.3 and 2 more transcripts); short protein forms L252F.
Identifiers: ClinVar variation 1001558 (VCV001001558.10), dbSNP rs2081190032, ClinGen allele CA409653879.